The following is an entry in ClinVar:

ClinVar aggregate classification (germline): Uncertain significance (1 of 4 stars; one submission).

Submission:

GeneDx
Classification: Uncertain significance. Last evaluated: 2023-11-10. Review status: criteria provided, single submitter. Criteria: GeneDx Variant Classification Process June 2021. Collection method: clinical testing. Allele origin: germline. Affected: yes.
Comment: Not observed at significant frequency in large population cohorts (gnomAD); In silico analysis supports that this missense variant does not alter protein structure/function; Has not been previously published as pathogenic or benign to our knowledge.

NM_183381.3(RNF13):c.1138A>C (p.Thr380Pro)

Gene: RNF13 (ring finger protein 13; plus strand). Cytogenetic location: 3q25.1.
Variant type: single nucleotide variant.
Coding change: c.1138A>C on transcript NM_183381.3 (MANE Select); coding-DNA position 1138, A replaced by C.
Protein change: p.Thr380Pro; replaces threonine 380 with proline.
Molecular consequence: missense variant. On other transcripts: non-coding transcript variant (1).
Genome position (GRCh38, 1-based): chr3:149,961,096, A>C. VCF-style: chr3-149961096-A-C. GRCh37 (hg19) VCF-style: chr3-149678883-A-C.
Other names: c.1138A>C, p.Thr380Pro (NM_001378285.1, NM_001378286.1, NM_007282.4); c.781A>C, p.Thr261Pro (NM_001378287.1, NM_001378288.1, NM_001378289.1 and 2 more transcripts); c.745A>C, p.Thr249Pro (NM_001378291.1); short protein forms T249P, T261P, T380P.
Identifiers: ClinVar variation 3364072 (VCV003364072.1).